The following is an entry in ClinVar:

NM_015164.4(PLEKHM2):c.2147C>T (p.Thr716Met)

Gene: PLEKHM2 (pleckstrin homology and RUN domain containing M2; plus strand). Cytogenetic location: 1p36.21.
Variant type: single nucleotide variant.
Coding change: c.2147C>T on transcript NM_015164.4 (MANE Select); coding-DNA position 2147, C replaced by T.
Protein change: p.Thr716Met; replaces threonine 716 with methionine.
Molecular consequence: missense variant.
Genome position (GRCh38, 1-based): chr1:15,729,868, C>T. VCF-style: chr1-15729868-C-T. GRCh37 (hg19) VCF-style: chr1-16056363-C-T.
Other names: short protein forms T716M.
Identifiers: ClinVar variation 639910 (VCV000639910.10), dbSNP rs777263405, ClinGen allele CA617151.

ClinVar aggregate classification (germline): Uncertain significance. Review status: criteria provided, multiple submitters, no conflicts (2 of 4 stars). 2 submissions from 2 submitters: Uncertain significance (2). Last evaluated 2025-06-12.

Allele frequency attached by ClinVar (database versions not stated): ExAC 0.00001; gnomAD exomes 0.00001; gnomAD 0.00002 and 0.00003; TOPMed 0.00002; 1000 Genomes Project 30x 0.00016.

Submissions (2):

Ambry Genetics
Classification: Uncertain significance. Last evaluated: 2025-06-12. Review status: criteria provided, single submitter. Criteria: Ambry Variant Classification Scheme 2023. Collection method: clinical testing. Allele origin: germline.

Labcorp Genetics (formerly Invitae), Labcorp
Classification: Uncertain significance. Last evaluated: 2022-04-29. Review status: criteria provided, single submitter. Criteria: Invitae Variant Classification Sherloc (09022015). Collection method: clinical testing. Allele origin: germline.
Comment: In summary, the available evidence is currently insufficient to determine the role of this variant in disease. Therefore, it has been classified as a Variant of Uncertain Significance. Algorithms developed to predict the effect of missense changes on protein structure and function are either unavailable or do not agree on the potential impact of this missense change (SIFT: "Deleterious"; PolyPhen-2: "Probably Damaging"; Align-GVGD: "Class C0"). ClinVar contains an entry for this variant (Variation ID: 639910). This variant has not been reported in the literature in individuals affected with PLEKHM2-related conditions. This variant is present in population databases (rs777263405, gnomAD 0.002%). This sequence change replaces threonine, which is neutral and polar, with methionine, which is neutral and non-polar, at codon 716 of the PLEKHM2 protein (p.Thr716Met).